The following is an entry in ClinVar:

NM_001110556.2(FLNA):c.622+10C>T

Gene: FLNA (filamin A; minus strand). Cytogenetic location: Xq28.
Variant type: single nucleotide variant.
Coding change: c.622+10C>T on transcript NM_001110556.2 (MANE Select); 10 bases into the intron after coding-DNA position 622, C replaced by T.
Molecular consequence: intron variant.
Genome position (GRCh38, 1-based): chrX:154,367,832, G>A on the plus strand (C>T on the coding strand, the complement: FLNA is on the minus strand). VCF-style: chrX-154367832-G-A. GRCh37 (hg19) VCF-style: chrX-153596200-G-A.
Other names: c.622+10C>T (NM_001110556.1, NM_001456.4).
Identifiers: ClinVar variation 383145 (VCV000383145.20), dbSNP rs781889769, ClinGen allele CA10561399.

ClinVar aggregate classification (germline): Likely benign. Review status: criteria provided, multiple submitters, no conflicts (2 of 4 stars). 5 submissions from 5 submitters: Likely benign (4). 1 of the submissions does not count toward it. Last evaluated 2024-12-23.

Conditions:
Frontometaphyseal dysplasia (FMD1). Identifiers: Orphanet 1826, MedGen C0265293, MONDO:0015942.
Melnick-Needles syndrome (MNS). Also called: MELNICK-NEEDLES OSTEODYSPLASTY; OSTEODYSPLASTY OF MELNICK AND NEEDLES; Melnick-Needles Syndrome (FLNA-MNS). Identifiers: Orphanet 2484, MedGen C0025237, MONDO:0010650, OMIM 309350.
Oto-palato-digital syndrome, type II (OPD2). Also called: FACIOPALATOOSSEOUS SYNDROME; Otopalatodigital Syndrome, Type II; OPD II SYNDROME; Otopalatodigital Syndrome Type 2 (FLNA-OPD2). Identifiers: Orphanet 669, Orphanet 90652, MedGen C1844696, MONDO:0010571, OMIM 304120.
Heterotopia, periventricular, X-linked dominant (PVNH1). Also called: PERIVENTRICULAR NODULAR HETEROTOPIA 1; PERIVENTRICULAR NODULAR HETEROTOPIA 4; HETEROTOPIA, PERIVENTRICULAR, 1; X-linked periventricular heterotopia. Identifiers: Orphanet 2149, Orphanet 82004, MedGen C1848213, MONDO:0010233, OMIM 300049.
FLNA-related disorder.

Allele frequency attached by ClinVar (database versions not stated): ExAC 0.00001; gnomAD exomes 0.00001; gnomAD 0.00009 and 0.00011; TOPMed 0.00009.

Submissions (5):

Labcorp Genetics (formerly Invitae), Labcorp
Classification: Likely benign for Oto-palato-digital syndrome, type II; Heterotopia, periventricular, X-linked dominant; Frontometaphyseal dysplasia; Melnick-Needles syndrome. Last evaluated: 2024-12-23. Review status: criteria provided, single submitter. Criteria: Invitae Variant Classification Sherloc (09022015). Collection method: clinical testing. Allele origin: germline.

Blueprint Genetics
Classification: Likely benign. Last evaluated: 2022-09-07. Review status: criteria provided, single submitter. Criteria: ACMG Guidelines, 2015. Collection method: clinical testing. Allele origin: germline.

ARUP Laboratories, Molecular Genetics and Genomics, ARUP Laboratories
Classification: Likely benign. Last evaluated: 2020-12-16. Review status: criteria provided, single submitter. Criteria: ARUP Molecular Germline Variant Investigation Process 2021. Collection method: clinical testing. Allele origin: germline.

GeneDx
Classification: Likely benign. Last evaluated: 2016-01-18. Review status: criteria provided, single submitter. Criteria: GeneDx Variant Classification (06012015). Collection method: clinical testing. Allele origin: germline. Affected: yes.
Comment: This variant is considered likely benign or benign based on one or more of the following criteria: it is a conservative change, it occurs at a poorly conserved position in the protein, it is predicted to be benign by multiple in silico algorithms, and/or has population frequency not consistent with disease.

PreventionGenetics, part of Exact Sciences
Classification: Likely benign for FLNA-related condition. Last evaluated: 2021-11-18. Review status: no assertion criteria provided. Collection method: clinical testing. Allele origin: germline. Not counted in ClinVar's aggregate classification.
Comment: This variant is classified as likely benign based on ACMG/AMP sequence variant interpretation guidelines (Richards et al. 2015 PMID: 25741868, with internal and published modifications).